The following is an entry in ClinVar:

ClinVar aggregate classification (germline): Uncertain significance (1 of 4 stars; one submission).

Conditions:
Dyskeratosis congenita, autosomal recessive 6 (DKCB6). Identifiers: MedGen C4225356, MONDO:0014600, OMIM 616353.
Pulmonary fibrosis and/or bone marrow failure, Telomere-related, 4. Also called: PULMONARY FIBROSIS AND/OR BONE MARROW FAILURE SYNDROME, TELOMERE-RELATED, 4. Identifiers: Orphanet 2032, MedGen C4225347, MONDO:0014612, OMIM 616371.

Submission:

Labcorp Genetics (formerly Invitae), Labcorp
Classification: Uncertain significance for Dyskeratosis congenita, autosomal recessive 6; Pulmonary fibrosis and/or bone marrow failure, Telomere-related, 4. Last evaluated: 2026-01-28. Review status: criteria provided, single submitter. Criteria: Invitae Variant Classification Sherloc (09022015). Collection method: clinical testing. Allele origin: germline.
Comment: This sequence change creates a premature translational stop signal (p.Trp639*) in the PARN gene. While this is not anticipated to result in nonsense mediated decay, it is expected to disrupt the last 1 amino acid(s) of the PARN protein. This variant is not present in population databases (gnomAD no frequency). This variant has not been reported in the literature in individuals affected with PARN-related conditions. ClinVar contains an entry for this variant (Variation ID: 1493396). Experimental studies and prediction algorithms are not available or were not evaluated, and the functional significance of this variant is currently unknown. In summary, the available evidence is currently insufficient to determine the role of this variant in disease. Therefore, it has been classified as a Variant of Uncertain Significance.

NM_002582.4(PARN):c.1916G>A (p.Trp639Ter)

Gene: PARN (poly(A)-specific ribonuclease; minus strand). Cytogenetic location: 16p13.12.
Variant type: single nucleotide variant.
Coding change: c.1916G>A on transcript NM_002582.4 (MANE Select); coding-DNA position 1916, G replaced by A.
Protein change: p.Trp639Ter; replaces tryptophan 639 with a stop codon.
Molecular consequence: nonsense.
Genome position (GRCh38, 1-based): chr16:14,436,721, C>T on the plus strand (G>A on the coding strand, the complement: PARN is on the minus strand). VCF-style: chr16-14436721-C-T. GRCh37 (hg19) VCF-style: chr16-14530578-C-T.
Other names: c.1733G>A, p.Trp578Ter (NM_001134477.3); c.1778G>A, p.Trp593Ter (NM_001242992.2); short protein forms W578*, W593*, W639*.
Identifiers: ClinVar variation 1493396 (VCV001493396.6), dbSNP rs1960716266, ClinGen allele CA395183168.